The following is an entry in ClinVar:

NM_001130438.3(SPTAN1):c.1085+6A>C

Gene: SPTAN1 (spectrin alpha, non-erythrocytic 1; plus strand). Cytogenetic location: 9q34.11.
Variant type: single nucleotide variant.
Coding change: c.1085+6A>C on transcript NM_001130438.3 (MANE Select); 6 bases into the intron after coding-DNA position 1085, A replaced by C.
Molecular consequence: intron variant.
Genome position (GRCh38, 1-based): chr9:128,577,512, A>C. VCF-style: chr9-128577512-A-C. GRCh37 (hg19) VCF-style: chr9-131339791-A-C.
Other names: c.1121+6A>C (NM_001375318.1, NM_001375312.2); c.1085+6A>C (NM_001375311.2, NM_001375314.2, NM_001375310.1 and 5 more transcripts).
Identifiers: ClinVar variation 1372859 (VCV001372859.7), dbSNP rs1060503488, ClinGen allele CA2573143899.

ClinVar aggregate classification (germline): Uncertain significance (1 of 4 stars; one submission).

Conditions:
Early-infantile DEE. Also called: Early infantile epileptic encephalopathy with suppression bursts; Early infantile epileptic encephalopathy; Ohtahara syndrome. Identifiers: Orphanet 1934, MedGen C0393706, MONDO:0800491.

Submission:

Labcorp Genetics (formerly Invitae), Labcorp
Classification: Uncertain significance for Early-infantile DEE. Last evaluated: 2022-11-29. Review status: criteria provided, single submitter. Criteria: Invitae Variant Classification Sherloc (09022015). Collection method: clinical testing. Allele origin: germline.
Comment: ClinVar contains an entry for this variant (Variation ID: 1372859). Variants that disrupt the consensus splice site are a relatively common cause of aberrant splicing (PMID: 17576681, 9536098). Algorithms developed to predict the effect of sequence changes on RNA splicing suggest that this variant is not likely to affect RNA splicing. In summary, the available evidence is currently insufficient to determine the role of this variant in disease. Therefore, it has been classified as a Variant of Uncertain Significance. This variant has not been reported in the literature in individuals affected with SPTAN1-related conditions. This sequence change falls in intron 8 of the SPTAN1 gene. It does not directly change the encoded amino acid sequence of the SPTAN1 protein. It affects a nucleotide within the consensus splice site. This variant is not present in population databases (gnomAD no frequency).

Literature cited by the submitters: PubMed 17576681; PubMed 9536098.